The following is an entry in ClinVar:

NM_015100.4(POGZ):c.1186-5T>C

Gene: POGZ (pogo transposable element derived with ZNF domain; minus strand). Cytogenetic location: 1q21.3.
Variant type: single nucleotide variant.
Coding change: c.1186-5T>C on transcript NM_015100.4 (MANE Select); 5 bases into the intron before coding-DNA position 1186, T replaced by C.
Molecular consequence: intron variant.
Genome position (GRCh38, 1-based): chr1:151,424,291, A>G on the plus strand (T>C on the coding strand, the complement: POGZ is on the minus strand). VCF-style: chr1-151424291-A-G. GRCh37 (hg19) VCF-style: chr1-151396767-A-G.
Other names: c.1000-5T>C (NM_001194938.2); c.901-5T>C (NM_145796.4); c.1159-5T>C (NM_001194937.2); c.1027-5T>C (NM_207171.2).
Identifiers: ClinVar variation 1743408 (VCV001743408.4), dbSNP rs921647207, ClinGen allele CA29585118.

ClinVar aggregate classification (germline): Uncertain significance. Review status: criteria provided, single submitter (1 of 4 stars). 2 submissions from 2 submitters: Uncertain significance (1). 1 of the submissions does not count toward it. Last evaluated 2017-12-15.

Conditions:
POGZ-related disorder. Also called: POGZ-related condition.
Inborn genetic diseases. Identifiers: MedGen C0950123, MeSH D030342.

Allele frequency attached by ClinVar (database versions not stated): gnomAD exomes 0.00001; gnomAD 0.00002; TOPMed 0.00002.
gnomAD v4.1: 14 of 1,528,156 alleles (0.00092%); highest among the groups gnomAD compares: Admixed American, 0.0076%; 1 homozygote.

Submissions (2):

Ambry Genetics
Classification: Uncertain significance for Inborn genetic diseases. Last evaluated: 2017-12-15. Review status: criteria provided, single submitter. Criteria: Ambry Variant Classification Scheme 2023. Collection method: clinical testing. Allele origin: germline.
Comment: The c.1186-5T>C intronic variant results from a T to C substitution 5 nucleotides upstream from coding exon 8 in the POGZ gene. This nucleotide position is not well conserved in available vertebrate species. Using the BDGP and ESEfinder splice site prediction tools, this alteration is not predicted to have any significant effect on this splice acceptor site; however, direct evidence is unavailable. Since supporting evidence is limited at this time, the clinical significance of this alteration remains unclear.

PreventionGenetics, part of Exact Sciences
Classification: Likely benign for POGZ-related condition. Last evaluated: 2020-05-22. Review status: no assertion criteria provided. Collection method: clinical testing. Allele origin: germline. Not counted in ClinVar's aggregate classification.
Comment: This variant is classified as likely benign based on ACMG/AMP sequence variant interpretation guidelines (Richards et al. 2015 PMID: 25741868, with internal and published modifications).